The following is an entry in ClinVar:

NM_001754.5(RUNX1):c.1193C>G (p.Ala398Gly)

Gene: RUNX1 (RUNX family transcription factor 1; minus strand). Cytogenetic location: 21q22.12.
Variant type: single nucleotide variant.
Coding change: c.1193C>G on transcript NM_001754.5 (MANE Select); coding-DNA position 1193, C replaced by G.
Protein change: p.Ala398Gly; replaces alanine 398 with glycine.
Molecular consequence: missense variant.
Genome position (GRCh38, 1-based): chr21:34,792,385, G>C on the plus strand (C>G on the coding strand, the complement: RUNX1 is on the minus strand). VCF-style: chr21-34792385-G-C. GRCh37 (hg19) VCF-style: chr21-36164682-G-C.
Other names: NM_001754.5(RUNX1):c.1193C>G; p.Ala398Gly; c.1112C>G, p.Ala371Gly (NM_001001890.3); short protein forms A371G, A398G.
Identifiers: ClinVar variation 3240393 (VCV003240393.4), dbSNP rs2145875622.
Genomic context (GRCh38, chr21:34,792,385, plus strand): 5'-ATGGAGAACTGGTAGGAGCCGGCCGAGGCGCCGTAGTACAGGTGGTAGGAGGGCGAGCTG[G>C]CTTGGAACGGGCCTCCCTGCGCTTGCGACGAGCCGGGGTAGGGCGGCGGCAGGTAGGTGT-3'
Protein context (NP_001745.2, residues 388-408): SSQAQGGPFQ[Ala398Gly]SSPSYHLYYG

ClinVar aggregate classification (germline): Uncertain significance. Review status: reviewed by expert panel (3 of 4 stars). 3 submissions from 3 submitters: Uncertain significance (1). 2 of the submissions do not count toward it. Last evaluated 2025-01-15.

Conditions:
Hereditary thrombocytopenia and hematologic cancer predisposition syndrome. Identifiers: Orphanet 71290, MedGen CN281654, MONDO:0011071.
Inborn genetic diseases. Identifiers: MedGen C0950123, MeSH D030342.
Acute myeloid leukemia (AML). Also called: Acute myeloid leukemia, adult; AML adult; Acute non-lymphocytic leukemia; Acute granulocytic leukemia; Leukemia, acute myeloid, somatic; Leukemia, acute myelogenous, somatic. Identifiers: Orphanet 519, MedGen C0023467, MeSH D015470, MONDO:0018874, OMIM 601626, HP:0004808. Disease mechanism: Constitutively activated FLT3.

Submissions (3):

ClinGen Myeloid Malignancy Variant Curation Expert Panel
Classification: Uncertain significance for Hereditary thrombocytopenia and hematologic cancer predisposition syndrome. Last evaluated: 2025-01-15. Review status: reviewed by expert panel. Criteria: ClinGen MyeloMalig ACMG Specifications v2. Collection method: curation. Allele origin: germline. Inheritance: Autosomal dominant inheritance.
Comment: NM_001754.5(RUNX1):c.1193C>G (p.Ala398Gly) is a missense variant which has a REVEL score < 0.50 (0.109), and a SpliceAI score ≤ 0.20 (0.0) (BP4). This variant is completely absent from all population databases with at least 20x coverage for RUNX1 (PM2_Supporting). In summary, the clinical significance of this variant is uncertain. ACMG/AMP criteria applied, as specified by the Myeloid Malignancy Variant Curation Expert Panel for RUNX1: BP4, PM2_supporting.

Ambry Genetics
Classification: Uncertain significance for Inborn genetic diseases. Last evaluated: 2026-07-06. Review status: criteria provided, single submitter. Criteria: Ambry Variant Classification Scheme 2023. Collection method: clinical testing. Allele origin: germline. Not counted in ClinVar's aggregate classification.
Comment: The p.A398G variant (also known as c.1193C>G), located in coding exon 8 of the RUNX1 gene, results from a C to G substitution at nucleotide position 1193. The alanine at codon 398 is replaced by glycine, an amino acid with similar properties. This amino acid position is conserved. In addition, this alteration is predicted to be tolerated by in silico analysis. Based on the available evidence, the clinical significance of this variant remains unclear.

Baylor Genetics
Classification: Uncertain significance for Acute myeloid leukemia. Last evaluated: 2023-11-08. Review status: criteria provided, single submitter. Criteria: ACMG Guidelines, 2015. Collection method: clinical testing. Allele origin: unknown. Not counted in ClinVar's aggregate classification.